The following is an entry in ClinVar:

NM_005068.3(SIM1):c.222C>A (p.Asp74Glu)

Gene: SIM1 (SIM bHLH transcription factor 1; minus strand). Cytogenetic location: 6q16.3.
Variant type: single nucleotide variant.
Coding change: c.222C>A on transcript NM_005068.3 (MANE Select); coding-DNA position 222, C replaced by A.
Protein change: p.Asp74Glu; replaces aspartic acid 74 with glutamic acid.
Molecular consequence: missense variant.
Genome position (GRCh38, 1-based): chr6:100,453,798, G>T on the plus strand (C>A on the coding strand, the complement: SIM1 is on the minus strand). VCF-style: chr6-100453798-G-T. GRCh37 (hg19) VCF-style: chr6-100901674-G-T.
Other names: c.222C>A, p.Asp74Glu (NM_001374769.1); short protein forms D74E.
Identifiers: ClinVar variation 3796027 (VCV003796027.2).
Genomic context (GRCh38, chr6:100,453,798, plus strand): 5'-TTGCCGGAAGACCTGCACCTGTACCTGGAGCAGATGGGAGCCCAGTTCTCGGCCAACGTT[G>T]TCCAGGGGGCTGGTCCGACTTGAGTGGCCCCACGCCTCGCCGAGCCCTGTGGAGACACAG-3'
Protein context (NP_005059.2, residues 64-84): WGHSSRTSPL[Asp74Glu]NVGRELGSHL

ClinVar aggregate classification (germline): Uncertain significance. Review status: criteria provided, multiple submitters, no conflicts (2 of 4 stars). 2 submissions from 2 submitters: Uncertain significance (2). Last evaluated 2026-06-01.

Conditions:
Inborn genetic diseases. Identifiers: MedGen C0950123, MeSH D030342.
SIM1-related disorder. Also called: SIM1-related disorders; SIM1-related condition.

gnomAD v4.1: 14 of 1,612,224 alleles (0.00087%); highest among the groups gnomAD compares: Admixed American, 0.0017%; no homozygotes.

Submissions (2):

PreventionGenetics, part of Exact Sciences
Classification: Uncertain significance for SIM1-related condition. Last evaluated: 2026-06-01. Review status: criteria provided, single submitter. Criteria: ACMG Guidelines, 2015. Collection method: clinical testing. Allele origin: germline.
Comment: The SIM1 c.222C>A variant is predicted to result in the amino acid substitution p.Asp74Glu. To our knowledge, this variant has not been reported in the literature. This variant is reported in 0.0029% of alleles in individuals of Latino descent in gnomAD. At this time, the clinical significance of this variant is uncertain due to the absence of conclusive functional and genetic evidence.

Ambry Genetics
Classification: Uncertain significance for Inborn genetic diseases. Last evaluated: 2025-01-24. Review status: criteria provided, single submitter. Criteria: Ambry Variant Classification Scheme 2023. Collection method: clinical testing. Allele origin: germline.